The following is an entry in ClinVar:

NM_014239.4(EIF2B2):c.285-1G>A

Gene: EIF2B2 (eukaryotic translation initiation factor 2B subunit beta; plus strand). Cytogenetic location: 14q24.3.
Variant type: single nucleotide variant.
Coding change: c.285-1G>A on transcript NM_014239.4 (MANE Select); the canonical splice acceptor site of the intron before coding-DNA position 285, G replaced by A.
Molecular consequence: splice acceptor variant.
Genome position (GRCh38, 1-based): chr14:75,003,550, G>A. VCF-style: chr14-75003550-G-A. GRCh37 (hg19) VCF-style: chr14-75470253-G-A.
Other names: c.285-1G>A (NM_014239.3).
Identifiers: ClinVar variation 1205361 (VCV001205361.10), dbSNP rs373906805, ClinGen allele CA7274862.

ClinVar aggregate classification (germline): Likely pathogenic. Review status: criteria provided, multiple submitters, no conflicts (2 of 4 stars). 4 submissions from 4 submitters: Likely pathogenic (4). Last evaluated 2026-01-11.

Conditions:
Leukoencephalopathy with vanishing white matter 2 (VWM2). Also called: Leukoencephalopathy with vanishing white matter 2, with or without ovarian failure; EIF2B2-Related Childhood Ataxia with Central Nervous System Hypomyelination/Vanishing White Matter. Identifiers: MedGen C5830404, MONDO:0957870, OMIM 620312.
Vanishing white matter disease. Also called: CACH syndrome; Childhood ataxia with diffuse central nervous system hypomyelination; Leukoencephalopathy with vanishing white matter; CACH/VWM syndrome; Cree leukoencehalopathy. Identifiers: Orphanet 135, Orphanet 99853, MedGen C1858991, MONDO:0800448.

Allele frequency attached by ClinVar (database versions not stated): ExAC 0.00001; gnomAD 0.00001; TOPMed 0.00001; gnomAD exomes 0.00003 and 0.00007; ESP Exome Variant Server 0.00008.
gnomAD v4.1: 111 of 1,614,014 alleles (0.0069%); highest among the groups gnomAD compares: Non-Finnish European, 0.0086%; no homozygotes.

Submissions (5):

Labcorp Genetics (formerly Invitae), Labcorp
Classification: Likely pathogenic. Last evaluated: 2026-01-11. Review status: criteria provided, single submitter. Criteria: Invitae Variant Classification Sherloc (09022015). Collection method: clinical testing. Allele origin: germline.
Comment: This sequence change affects an acceptor splice site in intron 2 of the EIF2B2 gene. It is expected to disrupt RNA splicing. Variants that disrupt the donor or acceptor splice site typically lead to a loss of protein function (PMID: 16199547), and loss-of-function variants in EIF2B2 are known to be pathogenic (PMID: 11704758, 12707859). This variant is present in population databases (rs373906805, gnomAD 0.004%). This variant has not been reported in the literature in individuals affected with EIF2B2-related conditions. ClinVar contains an entry for this variant (Variation ID: 1205361). Algorithms developed to predict the effect of sequence changes on RNA splicing suggest that this variant may disrupt the consensus splice site. In summary, the currently available evidence indicates that the variant is pathogenic, but additional data are needed to prove that conclusively. Therefore, this variant has been classified as Likely Pathogenic.

Fulgent Genetics
Classification: Likely pathogenic for Leukoencephalopathy with vanishing white matter 2. Last evaluated: 2024-05-21. Review status: criteria provided, single submitter. Criteria: ACMG Guidelines, 2015. Collection method: clinical testing. Allele origin: germline.

Women's Health and Genetics/Laboratory Corporation of America, LabCorp
Classification: Likely pathogenic for Vanishing white matter disease. Last evaluated: 2023-05-22. Review status: criteria provided, single submitter. Criteria: LabCorp Variant Classification Summary - May 2015. Collection method: clinical testing. Allele origin: germline.
Comment: Variant summary: EIF2B2 c.285-1G>A is located in a canonical splice-site and is predicted to affect mRNA splicing resulting in a significantly altered protein due to either exon skipping, shortening, or inclusion of intronic material. Several computational tools predict a significant impact on normal splicing: Four predict the variant abolishes a 3' acceptor site. However, these predictions have yet to be confirmed by functional studies. The variant allele was found at a frequency of 2.8e-05 in 251492 control chromosomes. To our knowledge, no occurrence of c.285-1G>A in individuals affected with Leukoencephalopathy With Vanishing White Matter and no experimental evidence demonstrating its impact on protein function have been reported. One clinical diagnostic laboratory has submitted clinical-significance assessments for this variant to ClinVar after 2014 and classified the variant as likely pathogenic. Based on the evidence outlined above, the variant was classified as likely pathogenic.

GeneDx
Classification: Likely pathogenic. Last evaluated: 2019-10-17. Review status: criteria provided, single submitter. Criteria: GeneDx Variant Classification Process June 2021. Collection method: clinical testing. Allele origin: germline. Affected: yes.
Comment: Canonical splice site variant in a gene for which loss-of-function is a known mechanism of disease; Not observed at a significant frequency in large population cohorts (Lek et al., 2016); Has not been previously published as pathogenic or benign to our knowledge

Dr. Peter K. Rogan Lab, Western University
No classification provided (evidence only). Condition: Clear cell carcinoma of kidney. Review status: no classification provided. Collection method: in vitro. Allele origin: not applicable. Functional consequence: retained intron. Not counted in ClinVar's aggregate classification.

Literature cited by the submitters: PubMed 16199547 (cited by Labcorp Genetics (formerly Invitae), Labcorp); PubMed 11704758 (cited by Labcorp Genetics (formerly Invitae), Labcorp); PubMed 12707859 (cited by Labcorp Genetics (formerly Invitae), Labcorp).